The following is an entry in ClinVar:

NM_000051.4(ATM):c.5005+9C>T

Gene: ATM (ATM serine/threonine kinase; plus strand). Cytogenetic location: 11q22.3.
Variant type: single nucleotide variant.
Coding change: c.5005+9C>T on transcript NM_000051.4 (MANE Select); 9 bases into the intron after coding-DNA position 5005, C replaced by T.
Molecular consequence: intron variant.
Genome position (GRCh38, 1-based): chr11:108,297,391, C>T. VCF-style: chr11-108297391-C-T. GRCh37 (hg19) VCF-style: chr11-108168118-C-T.
Other names: c.5005+9C>T (NM_001351834.2).
Identifiers: ClinVar variation 181862 (VCV000181862.15), dbSNP rs730881291, ClinGen allele CA298006.
Genomic context (GRCh38, chr11:108,297,391, plus strand): 5'-TTGCAGTTATCCAAGATGGCAATAAACCACACTGGTGAAAAAGAAGTTCTAGGTAAACTA[C>T]AGTCATGCGCTGCGTGACATTTCAGTCAACTGCGGATCACATATAGGACAGATTATAATA-3'

ClinVar aggregate classification (germline): Benign/Likely benign. Review status: criteria provided, multiple submitters, no conflicts (2 of 4 stars). 5 submissions from 5 submitters: Benign (1); Likely benign (4). Last evaluated 2026-01-26.

Conditions:
Hereditary cancer-predisposing syndrome. Also called: Tumor predisposition; Hereditary Cancer Syndrome; Hereditary neoplastic syndrome; Neoplastic Syndromes, Hereditary. Identifiers: Orphanet 140162, MedGen C0027672, MeSH D009386, MONDO:0015356.
Familial cancer of breast. Also called: BREAST CANCER, FAMILIAL; hereditary breast carcinoma; Hereditary breast cancer. Identifiers: Orphanet 227535, MedGen C0346153, MONDO:0016419, OMIM 114480. Disease mechanism: loss of function.
Ataxia-telangiectasia syndrome (AT). Also called: LOUIS-BAR SYNDROME; Cerebello-oculocutaneous telangiectasia; Immunodeficiency with ataxia telangiectasia; ATAXIA-TELANGIECTASIA, COMPLEMENTATION GROUP A; ATAXIA-TELANGIECTASIA, FRESNO VARIANT; Ataxia-telangiectasia. Identifiers: Orphanet 100, MedGen C0004135, MONDO:0008840, OMIM 208900.

Allele frequency attached by ClinVar (database versions not stated): gnomAD 0.00001; TOPMed 0.00001; ExAC 0.00003; gnomAD exomes 0.00003.
gnomAD v4.1: 24 of 1,600,460 alleles (0.0015%); highest among the groups gnomAD compares: Non-Finnish European, 0.00043%; no homozygotes.

Submissions (5):

Labcorp Genetics (formerly Invitae), Labcorp
Classification: Likely benign for Ataxia-telangiectasia syndrome. Last evaluated: 2026-01-26. Review status: criteria provided, single submitter. Criteria: Invitae Variant Classification Sherloc (09022015). Collection method: clinical testing. Allele origin: germline.

Myriad Genetics, Inc.
Classification: Likely benign for Familial cancer of breast. Last evaluated: 2024-05-21. Review status: criteria provided, single submitter. Criteria: Myriad Autosomal Dominant, Autosomal Recessive and X-Linked Classification Criteria (2023). Collection method: clinical testing. Allele origin: unknown.
Comment: This variant is considered likely benign. This variant is intronic and is not expected to impact mRNA splicing.

Women's Health and Genetics/Laboratory Corporation of America, LabCorp
Classification: Likely benign. Last evaluated: 2021-04-24. Review status: criteria provided, single submitter. Criteria: LabCorp Variant Classification Summary - May 2015. Collection method: clinical testing. Allele origin: germline.
Comment: Variant summary: ATM c.5005+9C>T alters a non-conserved nucleotide located close to a canonical splice site and therefore could affect mRNA splicing, leading to a significantly altered protein sequence. 4/4 computational tools predict no significant impact on normal splicing. However, these predictions have yet to be confirmed by functional studies. The variant allele was found at a frequency of 3.2e-05 in 250150 control chromosomes. The available data on variant occurrences in the general population are insufficient to allow any conclusion about variant significance. To our knowledge, no occurrence of c.5005+9C>T in individuals affected with Breast Cancer and no experimental evidence demonstrating its impact on protein function have been reported. Two clinical diagnostic laboratories have submitted clinical-significance assessments for this variant to ClinVar after 2014 without evidence for independent evaluation. All laboratories classified the variant as likely benign. Based on the evidence outlined above, the variant was classified as likely benign.

Color Diagnostics, LLC DBA Color Health
Classification: Likely benign for Hereditary cancer-predisposing syndrome. Last evaluated: 2016-11-10. Review status: criteria provided, single submitter. Criteria: ACMG Guidelines, 2015. Collection method: clinical testing. Allele origin: germline.

GeneDx
Classification: Benign. Last evaluated: 2014-08-13. Review status: criteria provided, single submitter. Criteria: GeneDx Variant Classification (06012015). Collection method: clinical testing. Allele origin: germline. Affected: yes.
Comment: This variant is considered likely benign or benign based on one or more of the following criteria: it is a conservative change, it occurs at a poorly conserved position in the protein, it is predicted to be benign by multiple in silico algorithms, and/or has population frequency not consistent with disease.